The following is an entry in ClinVar:

NM_003718.5(CDK13):c.1730C>A (p.Ser577Ter)

Gene: CDK13 (cyclin dependent kinase 13; plus strand). Cytogenetic location: 7p14.1.
Variant type: single nucleotide variant.
Coding change: c.1730C>A on transcript NM_003718.5 (MANE Select); coding-DNA position 1730, C replaced by A.
Protein change: p.Ser577Ter; replaces serine 577 with a stop codon.
Molecular consequence: nonsense.
Genome position (GRCh38, 1-based): chr7:39,988,117, C>A. VCF-style: chr7-39988117-C-A. GRCh37 (hg19) VCF-style: chr7-40027716-C-A.
Other names: c.1730C>A, p.Ser577Ter (NM_031267.4); short protein forms S577*.
Identifiers: ClinVar variation 2413040 (VCV002413040.3), dbSNP rs2116268406, ClinGen allele CA367284418.
Genomic context (GRCh38, chr7:39,988,117, plus strand): 5'-CCACCAAGAAAGCAGTCATAGTTGGAAAGGAGAGTAAATCTGCTGCTACAAAGGAGGAAT[C>A]AGTATCTCTTAAAGAGAAAACCAAACCACTTACACCAAGCATAGGAGCCAAGGAGAAGGA-3'

ClinVar aggregate classification (germline): Pathogenic (1 of 4 stars; one submission).

Submission:

GeneDx
Classification: Pathogenic. Last evaluated: 2022-07-27. Review status: criteria provided, single submitter. Criteria: GeneDx Variant Classification Process June 2021. Collection method: clinical testing. Allele origin: germline. Affected: yes.
Comment: Nonsense variant predicted to result in protein truncation or nonsense mediated decay in a gene for which loss of function is a known mechanism of disease; Not observed at significant frequency in large population cohorts (gnomAD); This variant is associated with the following publications: (PMID: 32368696, 28991257)